The following is an entry in ClinVar:

ClinVar aggregate classification (germline): Uncertain significance (1 of 4 stars; one submission).

Conditions:
Immunodeficiency 104. Also called: SCID, AUTOSOMAL RECESSIVE, T CELL-NEGATIVE, B CELL-POSITIVE, NK CELL-POSITIVE; Severe Combined Immune Deficiency, Autosomal Recessive, TCell -Negative, B Cell-Positive, NK Cell-Positive, IL7R-Related; Severe combined immunodeficiency, autosomal recessive, T cell-negative, B cell-positive, NK cell-positive; IMMUNODEFICIENCY 104, SEVERE COMBINED. Identifiers: MedGen C5676890, MONDO:0012163, OMIM 608971.

Allele frequency attached by ClinVar (database versions not stated): gnomAD 0.00001; TOPMed 0.00001.
gnomAD v4.1: 1 of 1,612,738 alleles (0.000062%); highest among the groups gnomAD compares: African/African-American, 0.0013%; no homozygotes.

Submission:

Labcorp Genetics (formerly Invitae), Labcorp
Classification: Uncertain significance for Immunodeficiency 104. Last evaluated: 2025-04-14. Review status: criteria provided, single submitter. Criteria: Invitae Variant Classification Sherloc (09022015). Collection method: clinical testing. Allele origin: germline.
Comment: This sequence change replaces serine, which is neutral and polar, with proline, which is neutral and non-polar, at codon 1139 of the PTPRC protein (p.Ser1139Pro). This variant is not present in population databases (gnomAD no frequency). This variant has not been reported in the literature in individuals affected with PTPRC-related conditions. ClinVar contains an entry for this variant (Variation ID: 1042643). An algorithm developed to predict the effect of missense changes on protein structure and function (PolyPhen-2) suggests that this variant is likely to be disruptive. In summary, the available evidence is currently insufficient to determine the role of this variant in disease. Therefore, it has been classified as a Variant of Uncertain Significance.

NM_002838.5(PTPRC):c.3415T>C (p.Ser1139Pro)

Gene: PTPRC (protein tyrosine phosphatase receptor type C; plus strand). Cytogenetic location: 1q32.1.
Variant type: single nucleotide variant.
Coding change: c.3415T>C on transcript NM_002838.5 (MANE Select); coding-DNA position 3415, T replaced by C.
Protein change: p.Ser1139Pro; replaces serine 1139 with proline.
Molecular consequence: missense variant.
Genome position (GRCh38, 1-based): chr1:198,752,678, T>C. VCF-style: chr1-198752678-T-C. GRCh37 (hg19) VCF-style: chr1-198721807-T-C.
Other names: c.2932T>C, p.Ser978Pro (NM_080921.4); short protein forms S978P, S1139P.
Identifiers: ClinVar variation 1042643 (VCV001042643.6), dbSNP rs937199866, ClinGen allele CA35917232.